The following is an entry in ClinVar:

NM_031935.3(HMCN1):c.7714A>G (p.Thr2572Ala)

Gene: HMCN1 (hemicentin 1; plus strand). Cytogenetic location: 1q31.1.
Variant type: single nucleotide variant.
Coding change: c.7714A>G on transcript NM_031935.3 (MANE Select); coding-DNA position 7714, A replaced by G.
Protein change: p.Thr2572Ala; replaces threonine 2572 with alanine.
Molecular consequence: missense variant.
Genome position (GRCh38, 1-based): chr1:186,067,842, A>G. VCF-style: chr1-186067842-A-G. GRCh37 (hg19) VCF-style: chr1-186036974-A-G.
Other names: short protein forms T2572A.
Identifiers: ClinVar variation 876654 (VCV000876654.13), dbSNP rs201878929, ClinGen allele CA1292930.

ClinVar aggregate classification (germline): Uncertain significance. Review status: criteria provided, multiple submitters, no conflicts (2 of 4 stars). 4 submissions from 4 submitters: Uncertain significance (4). Last evaluated 2025-12-30.

Conditions:
Age related macular degeneration 1 (ARMD1). Also called: MACULOPATHY, AGE-RELATED, 1. Identifiers: MedGen C1864205, MONDO:0011285, OMIM 603075.

Allele frequency attached by ClinVar (database versions not stated): gnomAD 0.00006 and 0.00007; ExAC 0.00007; gnomAD exomes 0.00007 and 0.00008; TOPMed 0.00008.
gnomAD v4.1: 130 of 1,608,372 alleles (0.0081%); highest among the groups gnomAD compares: Middle Eastern, 0.099%; 1 homozygote.

Submissions (4):

Labcorp Genetics (formerly Invitae), Labcorp
Classification: Uncertain significance. Last evaluated: 2025-12-30. Review status: criteria provided, single submitter. Criteria: Invitae Variant Classification Sherloc (09022015). Collection method: clinical testing. Allele origin: germline.
Comment: This sequence change replaces threonine, which is neutral and polar, with alanine, which is neutral and non-polar, at codon 2572 of the HMCN1 protein (p.Thr2572Ala). This variant is present in population databases (rs201878929, gnomAD 0.01%). This variant has not been reported in the literature in individuals affected with HMCN1-related conditions. ClinVar contains an entry for this variant (Variation ID: 876654). An algorithm developed to predict the effect of missense changes on protein structure and function (PolyPhen-2) suggests that this variant is likely to be tolerated. In summary, the available evidence is currently insufficient to determine the role of this variant in disease. Therefore, it has been classified as a Variant of Uncertain Significance.

Ambry Genetics
Classification: Uncertain significance. Last evaluated: 2025-04-01. Review status: criteria provided, single submitter. Criteria: Ambry Variant Classification Scheme 2023. Collection method: clinical testing. Allele origin: germline.

Genome-Nilou Lab
Classification: Uncertain significance for Age related macular degeneration 1. Last evaluated: 2023-04-11. Review status: criteria provided, single submitter. Criteria: ACMG Guidelines, 2015. Collection method: clinical testing. Allele origin: germline. Affected: no.

Illumina Laboratory Services, Illumina
Classification: Uncertain significance for Age related macular degeneration 1. Last evaluated: 2018-01-12. Review status: criteria provided, single submitter. Criteria: ICSL Variant Classification Criteria 13 December 2019. Collection method: clinical testing. Allele origin: germline.